The following is an entry in ClinVar:

NM_001375524.1(TRRAP):c.6175G>A (p.Val2059Met)

Gene: TRRAP (transformation/transcription domain associated protein; plus strand). Cytogenetic location: 7q22.1.
Variant type: single nucleotide variant.
Coding change: c.6175G>A on transcript NM_001375524.1 (MANE Select); coding-DNA position 6175, G replaced by A.
Protein change: p.Val2059Met; replaces valine 2059 with methionine.
Molecular consequence: missense variant.
Genome position (GRCh38, 1-based): chr7:98,956,477, G>A. VCF-style: chr7-98956477-G-A. GRCh37 (hg19) VCF-style: chr7-98554100-G-A.
Other names: c.6154G>A, p.Val2052Met (NM_001244580.2); c.6100G>A, p.Val2034Met (NM_003496.4); short protein forms V2034M, V2059M, V2052M.
Identifiers: ClinVar variation 2884560 (VCV002884560.3), dbSNP rs376885300, ClinGen allele CA4360767.

ClinVar aggregate classification (germline): Uncertain significance (1 of 4 stars; one submission).

Allele frequency attached by ClinVar (database versions not stated): gnomAD exomes 0.00003; ExAC 0.00005; gnomAD 0.00007; TOPMed 0.00009; ESP Exome Variant Server 0.00015.
gnomAD v4.1: 50 of 1,614,114 alleles (0.0031%); highest among the groups gnomAD compares: African/African-American, 0.025%; no homozygotes.

Submission:

Labcorp Genetics (formerly Invitae), Labcorp
Classification: Uncertain significance. Last evaluated: 2025-06-03. Review status: criteria provided, single submitter. Criteria: Invitae Variant Classification Sherloc (09022015). Collection method: clinical testing. Allele origin: germline.
Comment: This sequence change replaces valine, which is neutral and non-polar, with methionine, which is neutral and non-polar, at codon 2034 of the TRRAP protein (p.Val2034Met). This variant is present in population databases (rs376885300, gnomAD 0.02%). This variant has not been reported in the literature in individuals affected with TRRAP-related conditions. ClinVar contains an entry for this variant (Variation ID: 2884560). Invitae Evidence Modeling of protein sequence and biophysical properties (such as structural, functional, and spatial information, amino acid conservation, physicochemical variation, residue mobility, and thermodynamic stability) indicates that this missense variant is not expected to disrupt TRRAP protein function with a negative predictive value of 80%. In summary, the available evidence is currently insufficient to determine the role of this variant in disease. Therefore, it has been classified as a Variant of Uncertain Significance.